The following is an entry in ClinVar:

ClinVar aggregate classification (germline): Uncertain significance (1 of 4 stars; one submission).

Submission:

GeneDx
Classification: Uncertain significance. Last evaluated: 2025-02-27. Review status: criteria provided, single submitter. Criteria: GeneDx Variant Classification Process June 2021. Collection method: clinical testing. Allele origin: germline. Affected: yes.
Comment: Not observed at significant frequency in large population cohorts (gnomAD); In silico analysis indicates that this missense variant does not alter protein structure/function; Has not been previously published as pathogenic or benign to our knowledge

NM_001127222.2(CACNA1A):c.1228G>A (p.Asp410Asn)

Gene: CACNA1A (calcium voltage-gated channel subunit alpha1 A; minus strand). Cytogenetic location: 19p13.13.
Variant type: single nucleotide variant.
Coding change: c.1228G>A on transcript NM_001127222.2 (MANE Select); coding-DNA position 1228, G replaced by A.
Protein change: p.Asp410Asn; replaces aspartic acid 410 with asparagine.
Molecular consequence: missense variant.
Genome position (GRCh38, 1-based): chr19:13,332,896, C>T on the plus strand (G>A on the coding strand, the complement: CACNA1A is on the minus strand). VCF-style: chr19-13332896-C-T. GRCh37 (hg19) VCF-style: chr19-13443710-C-T.
Other names: c.1228G>A, p.Asp410Asn (NM_000068.4, NM_001127221.2, NM_001174080.2 and 1 more transcripts); short protein forms D410N.
Identifiers: ClinVar variation 4077297 (VCV004077297.1).